The following is an entry in ClinVar:

NC_000005.10:g.(?_110743720)_(110743797_?)del

Gene: SLC25A46 (solute carrier family 25 member 46; plus strand). Cytogenetic location: 5q22.1.
Variant type: Deletion.
Identifiers: ClinVar variation 652950 (VCV000652950.8).

ClinVar aggregate classification (germline): Pathogenic (1 of 4 stars; one submission).

Conditions:
Neuropathy, hereditary motor and sensory, type 6B (HMSN6B). Also called: Neuropathy, hereditary motor and sensory, type VIB; NEUROPATHY, HEREDITARY MOTOR AND SENSORY, TYPE VIB, WITH OPTIC ATROPHY; HMSN VIB; CHARCOT-MARIE-TOOTH DISEASE, TYPE 6B. Identifiers: MedGen C4225302, MONDO:0014671, OMIM 616505.

Submission:

Labcorp Genetics (formerly Invitae), Labcorp
Classification: Pathogenic for Neuropathy, hereditary motor and sensory, type 6B. Last evaluated: 2019-09-19. Review status: criteria provided, single submitter. Criteria: Invitae Variant Classification Sherloc (09022015). Collection method: clinical testing. Allele origin: germline.
Comment: For these reasons, this variant has been classified as Pathogenic. Loss-of-function variants in SLC25A46 are known to be pathogenic (PMID: 26168012, 26951855, 27543974). This variant has not been reported in the literature in individuals with SLC25A46-related conditions. This variant is an out-of-frame deletion of the genomic region encompassing exon 3 of the SLC25A46 gene. This is expected to create a premature translational stop signal and result in an absent or disrupted protein product.

Literature cited by the submitters: PubMed 26168012; PubMed 26951855; PubMed 27543974.